The following is an entry in ClinVar:

NM_006648.4(WNK2):c.3119C>A (p.Pro1040His)

Gene: WNK2 (WNK lysine deficient protein kinase 2; plus strand). Cytogenetic location: 9q22.31.
Variant type: single nucleotide variant.
Coding change: c.3119C>A on transcript NM_006648.4 (MANE Select); coding-DNA position 3119, C replaced by A.
Protein change: p.Pro1040His; replaces proline 1040 with histidine.
Molecular consequence: missense variant.
Genome position (GRCh38, 1-based): chr9:93,261,866, C>A. VCF-style: chr9-93261866-C-A. GRCh37 (hg19) VCF-style: chr9-96024148-C-A.
Other names: c.3119C>A, p.Pro1040His (NM_001282394.3); short protein forms P1040H.
Identifiers: ClinVar variation 3470609 (VCV003470609.1).

ClinVar aggregate classification (germline): Uncertain significance (1 of 4 stars; one submission).

gnomAD v4.1: 2 of 1,600,478 alleles (0.00012%); highest among the groups gnomAD compares: Non-Finnish European, 0.00017%; no homozygotes.

Submission:

Ambry Genetics
Classification: Uncertain significance. Last evaluated: 2024-12-06. Review status: criteria provided, single submitter. Criteria: Ambry Variant Classification Scheme 2023. Collection method: clinical testing. Allele origin: germline.
Comment: The p.P1040H variant (also known as c.3119C>A), located in coding exon 12 of the WNK2 gene, results from a C to A substitution at nucleotide position 3119. The proline at codon 1040 is replaced by histidine, an amino acid with similar properties. This amino acid position is conserved. In addition, this alteration is predicted to be tolerated by in silico analysis. Based on the available evidence, the clinical significance of this variant remains unclear.